The following is an entry in ClinVar:

ClinVar aggregate classification (germline): Conflicting classifications of pathogenicity. Review status: criteria provided, conflicting classifications (1 of 4 stars). 3 submissions from 3 submitters: Pathogenic (1); Likely pathogenic (1); Uncertain significance (1). Last evaluated 2025-11-20.

Conditions:
Cardiomyopathy (CMYO). Also called: Cardiomyopathies. Identifiers: Orphanet 167848, MedGen C0878544, MONDO:0004994, HP:0001638. Inheritance: Various modes of inheritance.
Familial isolated arrhythmogenic right ventricular dysplasia. Identifiers: Orphanet 217656, MedGen C4274968, MONDO:0016342.

Allele frequency attached by ClinVar (database versions not stated): gnomAD exomes below 0.00001; TOPMed below 0.00001.
gnomAD v4.1: 1 of 1,613,990 alleles (0.000062%); highest among the groups gnomAD compares: Non-Finnish European, 0.000085%; no homozygotes.

Submissions (3):

GeneDx
Classification: Likely pathogenic. Last evaluated: 2025-11-20. Review status: criteria provided, single submitter. Criteria: GeneDx Variant Classification Process June 2021. Collection method: clinical testing. Allele origin: germline.
Comment: Nonsense variant predicted to result in protein truncation or nonsense mediated decay in a gene for which loss of function is a known mechanism of disease; Not observed at significant frequency in large population cohorts (gnomAD); Has not been previously published as pathogenic or benign to our knowledge

Women's Health and Genetics/Laboratory Corporation of America, LabCorp
Classification: Pathogenic for Familial isolated arrhythmogenic right ventricular dysplasia. Last evaluated: 2025-04-15. Review status: criteria provided, single submitter. Criteria: LabCorp Variant Classification Summary - May 2015. Collection method: clinical testing. Allele origin: germline.
Comment: Variant summary: DSC2 c.2374C>T (p.Gln792X) results in a premature termination codon, predicted to cause a truncation of the encoded protein or absence of the protein due to nonsense mediated decay, which are commonly known mechanisms for disease. The variant was absent in 251120 control chromosomes (gnomAD). To our knowledge, no occurrence of c.2374C>T in individuals affected with Arrhythmogenic Right Ventricular Dysplasia/Cardiomyopathy and no experimental evidence demonstrating its impact on protein function have been reported. ClinVar contains an entry for this variant (Variation ID: 921980). Based on the evidence outlined above, the variant was classified as pathogenic.

Color Diagnostics, LLC DBA Color Health
Classification: Uncertain significance for Cardiomyopathy. Last evaluated: 2025-03-10. Review status: criteria provided, single submitter. Criteria: ACMG Guidelines, 2015. Collection method: clinical testing. Allele origin: germline.
Comment: This variant changes 1 nucleotide in exon 15 of the DSC2 gene, creating a premature translation stop signal. This variant is expected to result in an absent or non-functional protein product. This variant has not been reported in individuals affected with cardiovascular disorders in the literature. This variant has not been identified in the general population by the Genome Aggregation Database (gnomAD). Clinical significance of loss-of-function truncations in the DSC2 gene is not clearly established. The available evidence is insufficient to determine the role of this variant in disease conclusively. Therefore, this variant is classified as a Variant of Uncertain Significance.

NM_024422.6(DSC2):c.2374C>T (p.Gln792Ter)

Gene: DSC2 (desmocollin 2; minus strand). Cytogenetic location: 18q12.1.
Variant type: single nucleotide variant.
Coding change: c.2374C>T on transcript NM_024422.6 (MANE Select); coding-DNA position 2374, C replaced by T.
Protein change: p.Gln792Ter; replaces glutamine 792 with a stop codon.
Molecular consequence: nonsense.
Genome position (GRCh38, 1-based): chr18:31,069,028, G>A on the plus strand (C>T on the coding strand, the complement: DSC2 is on the minus strand). VCF-style: chr18-31069028-G-A. GRCh37 (hg19) VCF-style: chr18-28648994-G-A.
Other names: c.2374C>T, p.Gln792Ter (NM_004949.5); short protein forms Q792*.
Identifiers: ClinVar variation 921980 (VCV000921980.7), dbSNP rs1364738194, ClinGen allele CA402111613.